The following is an entry in ClinVar:

NM_002474.3(MYH11):c.4059C>T (p.Asp1353=)

Genes: MYH11 (myosin heavy chain 11; minus strand), NDE1 (nudE neurodevelopment protein 1; plus strand). Cytogenetic location: 16p13.11.
Variant type: single nucleotide variant.
Coding change: c.4059C>T on transcript NM_002474.3 (MANE Select); coding-DNA position 4059, C replaced by T.
Protein change: p.Asp1353=; no amino-acid change (aspartic acid 1353 retained).
Molecular consequence: synonymous variant. On other transcripts: 3 prime UTR variant (2).
Genome position (GRCh38, 1-based): chr16:15,724,704, G>A on the plus strand (C>T on the coding strand, the complement: MYH11 is on the minus strand). VCF-style: chr16-15724704-G-A. GRCh37 (hg19) VCF-style: chr16-15818561-G-A.
Other names: c.4080C>T, p.Asp1360= (NM_001040113.2, NM_001040114.2); c.4059C>T, p.Asp1353= (NM_022844.3); c.*453G>A (NM_001143979.2, NM_017668.3).
Identifiers: ClinVar variation 733080 (VCV000733080.14), dbSNP rs753575083, ClinGen allele CA7921799.
Genomic context (GRCh38, chr16:15,724,704, plus strand): 5'-CACCTGGATGTTGAGAGTGGAGATGTGGCGCTCCAGGTTCTGCTTGGCCTCCATCTCCTC[G>A]TCCAGCTGGTCTTGCAGGCTGTTCCGCTCCTCCTCCAGCTGGCGCAGCTTCGTAGACACG-3'
Protein context (NP_002465.1, residues 1343-1363): EERNSLQDQL[Asp1353=]EEMEAKQNLE

ClinVar aggregate classification (germline): Likely benign. Review status: criteria provided, multiple submitters, no conflicts (2 of 4 stars). 4 submissions from 4 submitters: Likely benign (4). Last evaluated 2024-03-01.

Conditions:
Familial thoracic aortic aneurysm and aortic dissection (TAAD). Also called: Thoracic aortic aneurysms and dissections. Identifiers: Orphanet 91387, MedGen C4707243, MONDO:0019625.
Aortic aneurysm, familial thoracic 4 (AAT4). Also called: AORTIC ANEURYSM/AORTIC DISSECTION AND PATENT DUCTUS ARTERIOSUS. Identifiers: MedGen C1851504, MONDO:0007568, OMIM 132900.

Allele frequency attached by ClinVar (database versions not stated): TOPMed 0.00001; gnomAD 0.00002 and 0.00003; 1000 Genomes Project 30x 0.00016.
gnomAD v4.1: 30 of 1,614,192 alleles (0.0019%); highest among the groups gnomAD compares: Middle Eastern, 0.017%; no homozygotes.

Submissions (4):

Labcorp Genetics (formerly Invitae), Labcorp
Classification: Likely benign for Aortic aneurysm, familial thoracic 4. Last evaluated: 2024-03-01. Review status: criteria provided, single submitter. Criteria: Invitae Variant Classification Sherloc (09022015). Collection method: clinical testing. Allele origin: germline.

All of Us Research Program, National Institutes of Health
Classification: Likely benign for Familial thoracic aortic aneurysm and aortic dissection. Last evaluated: 2023-10-30. Review status: criteria provided, single submitter. Criteria: ACMG Guidelines, 2015. Collection method: clinical testing. Allele origin: germline. Inheritance: Autosomal dominant inheritance. Observed: 4 variant alleles, 4 heterozygotes.
Comment: This study involves interpretation of variants in research participants for the purpose of population health screening. Participant phenotype was not available at the time of variant classification. Additional details can be found in publication PMID: 35346344, PMCID: PMC8962531

Ambry Genetics
Classification: Likely benign for Familial thoracic aortic aneurysm and aortic dissection. Last evaluated: 2021-10-16. Review status: criteria provided, single submitter. Criteria: Ambry Variant Classification Scheme 2023. Collection method: clinical testing. Allele origin: germline.

Color Diagnostics, LLC DBA Color Health
Classification: Likely benign for Familial thoracic aortic aneurysm and aortic dissection. Last evaluated: 2019-07-27. Review status: criteria provided, single submitter. Criteria: ACMG Guidelines, 2015. Collection method: clinical testing. Allele origin: germline.